The following is an entry in ClinVar:

ClinVar aggregate classification (germline): Uncertain significance (1 of 4 stars; one submission).

Conditions:
Hypertrophic cardiomyopathy 25 (CMH25). Also called: CARDIOMYOPATHY, FAMILIAL HYPERTROPHIC, 25. Identifiers: MedGen C4225408, MONDO:0011843, OMIM 607487.
Primary familial hypertrophic cardiomyopathy (HCM). Identifiers: Orphanet 99739, MedGen C0949658, MeSH D024741, MONDO:0024573. Inheritance: Various modes of inheritance.

Allele frequency attached by ClinVar (database versions not stated): gnomAD exomes below 0.00001.

Submission:

Labcorp Genetics (formerly Invitae), Labcorp
Classification: Uncertain significance for Hypertrophic cardiomyopathy 25; Primary familial hypertrophic cardiomyopathy. Last evaluated: 2022-09-01. Review status: criteria provided, single submitter. Criteria: Invitae Variant Classification Sherloc (09022015). Collection method: clinical testing. Allele origin: germline.
Comment: This variant is not present in population databases (gnomAD no frequency). This variant has not been reported in the literature in individuals affected with TCAP-related conditions. Variants that disrupt the consensus splice site are a relatively common cause of aberrant splicing (PMID: 17576681, 9536098). Algorithms developed to predict the effect of sequence changes on RNA splicing suggest that this variant may disrupt the consensus splice site. In summary, the available evidence is currently insufficient to determine the role of this variant in disease. Therefore, it has been classified as a Variant of Uncertain Significance. This sequence change falls in intron 1 of the TCAP gene. It does not directly change the encoded amino acid sequence of the TCAP protein. It affects a nucleotide within the consensus splice site.

Literature cited by the submitters: PubMed 17576681; PubMed 9536098.

NM_003673.4(TCAP):c.110+6T>G

Gene: TCAP (titin-cap; plus strand). Cytogenetic location: 17q12.
Variant type: single nucleotide variant.
Coding change: c.110+6T>G on transcript NM_003673.4 (MANE Select); 6 bases into the intron after coding-DNA position 110, T replaced by G.
Molecular consequence: intron variant.
Genome position (GRCh38, 1-based): chr17:39,665,475, T>G. VCF-style: chr17-39665475-T-G. GRCh37 (hg19) VCF-style: chr17-37821728-T-G.
Identifiers: ClinVar variation 2011759 (VCV002011759.4), dbSNP rs2543738011, ClinGen allele CA2580093657.